The following is an entry in ClinVar:

ClinVar aggregate classification (germline): Uncertain significance (1 of 4 stars; one submission).

Conditions:
Charcot-Marie-Tooth disease type 4. Also called: Charcot-Marie-Tooth disease, type IV; Charcot-Marie-Tooth, Type 4. Identifiers: Orphanet 64749, MedGen C4082197, MONDO:0018995.

gnomAD v4.1: 13 of 1,558,762 alleles (0.00083%); highest among the groups gnomAD compares: South Asian, 0.014%; no homozygotes.

Submission:

Labcorp Genetics (formerly Invitae), Labcorp
Classification: Uncertain significance for Charcot-Marie-Tooth disease type 4. Last evaluated: 2021-09-01. Review status: criteria provided, single submitter. Criteria: Invitae Variant Classification Sherloc (09022015). Collection method: clinical testing. Allele origin: germline.
Comment: This sequence change replaces lysine with arginine at codon 3 of the MTMR2 protein (p.Lys3Arg). The lysine residue is weakly conserved and there is a small physicochemical difference between lysine and arginine. This variant is present in population databases (rs3824874, ExAC 0.01%). This variant has not been reported in the literature in individuals affected with MTMR2-related conditions. Advanced modeling of protein sequence and biophysical properties (such as structural, functional, and spatial information, amino acid conservation, physicochemical variation, residue mobility, and thermodynamic stability) performed at Invitae indicates that this missense variant is not expected to disrupt MTMR2 protein function. In summary, the available evidence is currently insufficient to determine the role of this variant in disease. Therefore, it has been classified as a Variant of Uncertain Significance.

NM_016156.6(MTMR2):c.8A>G (p.Lys3Arg)

Gene: MTMR2 (myotubularin related protein 2; minus strand). Cytogenetic location: 11q21.
Variant type: single nucleotide variant.
Coding change: c.8A>G on transcript NM_016156.6 (MANE Select); coding-DNA position 8, A replaced by G.
Protein change: p.Lys3Arg; replaces lysine 3 with arginine.
Molecular consequence: missense variant. On other transcripts: 5 prime UTR variant (3).
Genome position (GRCh38, 1-based): chr11:95,923,947, T>C on the plus strand (A>G on the coding strand, the complement: MTMR2 is on the minus strand). VCF-style: chr11-95923947-T-C. GRCh37 (hg19) VCF-style: chr11-95657111-T-C.
Other names: c.-476A>G (NM_001243571.2); c.-403A>G (NM_201278.3); c.-280A>G (NM_201281.3); short protein forms K3R.
Identifiers: ClinVar variation 1469977 (VCV001469977.5), dbSNP rs3824874, ClinGen allele CA6240502.